The following is an entry in ClinVar:

ClinVar aggregate classification (germline): Uncertain significance (1 of 4 stars; one submission).

Conditions:
Early-infantile DEE. Also called: Ohtahara syndrome; Early infantile epileptic encephalopathy with suppression bursts; Early infantile epileptic encephalopathy. Identifiers: Orphanet 1934, MedGen C0393706, MONDO:0800491.

Submission:

Labcorp Genetics (formerly Invitae), Labcorp
Classification: Uncertain significance for Early-infantile DEE. Last evaluated: 2020-05-24. Review status: criteria provided, single submitter. Criteria: Invitae Variant Classification Sherloc (09022015). Collection method: clinical testing. Allele origin: germline.
Comment: This variant is not present in population databases (ExAC no frequency). This sequence change replaces isoleucine with threonine at codon 310 of the SLC25A22 protein (p.Ile310Thr). The isoleucine residue is moderately conserved and there is a moderate physicochemical difference between isoleucine and threonine. This variant has not been reported in the literature in individuals with SLC25A22-related conditions. In summary, the available evidence is currently insufficient to determine the role of this variant in disease. Therefore, it has been classified as a Variant of Uncertain Significance. Algorithms developed to predict the effect of missense changes on protein structure and function are either unavailable or do not agree on the potential impact of this missense change (SIFT: "Tolerated"; PolyPhen-2: "Possibly Damaging"; Align-GVGD: "Class C0").

NM_001191061.2(SLC25A22):c.929T>C (p.Ile310Thr)

Gene: SLC25A22 (solute carrier family 25 member 22; minus strand). Cytogenetic location: 11p15.5.
Variant type: single nucleotide variant.
Coding change: c.929T>C on transcript NM_001191061.2 (MANE Select); coding-DNA position 929, T replaced by C.
Protein change: p.Ile310Thr; replaces isoleucine 310 with threonine.
Molecular consequence: missense variant.
Genome position (GRCh38, 1-based): chr11:791,958, A>G on the plus strand (T>C on the coding strand, the complement: SLC25A22 is on the minus strand). VCF-style: chr11-791958-A-G. GRCh37 (hg19) VCF-style: chr11-791958-A-G.
Other names: c.929T>C, p.Ile310Thr (NM_001191060.2, NM_024698.6); short protein forms I310T.
Identifiers: ClinVar variation 1056086 (VCV001056086.10), dbSNP rs2133697146, ClinGen allele CA378966385.